The following is an entry in ClinVar:

ClinVar aggregate classification (somatic clinical impact): Tier I - Strong (1 of 4 stars; one submission).

Conditions:
Spinal cord ependymoma. Identifiers: MedGen C0238432, MONDO:0003473.

Submission:

Institute for Genomic Medicine (IGM) Clinical Laboratory, Nationwide Children's Hospital
Classification: Tier I - Strong for Spinal cord ependymoma. Assertion type: diagnostic. Clinical significance: supports diagnosis. Last evaluated: 2024-07-26. Review status: criteria provided, single submitter. Criteria: AMP/ASCO/CAP Guidelines, 2017. Collection method: clinical testing. Allele origin: somatic. Affected: yes.
Comment: Variant has Tier I (strong) clinical significance as a diagnostic inclusion criterion in spinal cord ependymoma, based on the following evidence: 1) Appears in one or more well-established professional guidelines (e.g., World Health Organization [WHO]; National Comprehensive Cancer Network [NCCN]) as providing diagnostic, prognostic, or therapeutic information. 2) Diagnostic for a specific tumor type/classification based on well-powered studies with expert-level consensus (Evidence Level B).

NM_000268.4(NF2):c.1053_1056dup (p.Arg353fs)

Gene: NF2 (NF2, moesin-ezrin-radixin like (MERLIN) tumor suppressor; plus strand). Cytogenetic location: 22q12.2.
Variant type: Duplication.
Coding change: c.1053_1056dup on transcript NM_000268.4 (MANE Select); coding-DNA positions 1053 to 1056, 4 bases duplicated (CACG; older notation c.1053_1056dupCACG).
Protein change: p.Arg353fs; shifts the reading frame from arginine 353.
Molecular consequence: frameshift variant. On other transcripts: intron variant (1).
Genome position (GRCh38, 1-based): chr22:29,671,879-29,671,882, CACG duplicated; duplicating any 4 consecutive bases within chr22:29,671,876-29,671,882 gives the same sequence; the c. name uses the placement nearest the transcript's 3' end. VCF-style (leftmost placement, unchanged base first): chr22-29671875-A-AACGC. GRCh37 (hg19) VCF-style: chr22-30067864-A-AACGC.
Other names: c.930_933dup, p.Arg312fs (NM_001407058.1, NM_001407054.1, NM_181829.3); c.918_921dup, p.Arg308fs (NM_001407059.1, NM_001407057.1); c.1053_1056dup, p.Arg353fs (NM_001407060.1, NM_001407066.1, NM_016418.5 and 2 more transcripts); c.795_798dup, p.Arg267fs (NM_001407062.1); c.804_807dup, p.Arg270fs (NM_001407063.1, NM_001407064.1, NM_181830.3 and 1 more transcripts); c.519_522dup, p.Arg175fs (NM_001407065.1); c.822_825dup, p.Arg276fs (NM_001407067.1); c.939_942dup, p.Arg315fs (NM_001407053.1, NM_001407056.1); and 2 more; short protein forms R175fs, R267fs, R270fs, R276fs, R308fs, R311fs, R312fs, R315fs.
Identifiers: ClinVar variation 4530429 (VCV004530429.1).
Genomic context (GRCh38, chr22:29,671,875, plus strand): 5'-ACCCCTCGCAGATGGAGCGGCAGCGCCTCGCTCGAGAGAAGCAGATGAGGGAGGAGGCTG[A>AACGC]ACGCACGAGGGATGAGTTGGAGAGGAGGCTGCTGCAGATGAAAGAAGAAGCAACAATGGC-3'